The following is an entry in ClinVar:

ClinVar aggregate classification (germline): Uncertain significance (1 of 4 stars; one submission).

gnomAD v4.1: 5 of 1,613,990 alleles (0.00031%); highest among the groups gnomAD compares: Non-Finnish European, 0.00034%; no homozygotes.

Submission:

Labcorp Genetics (formerly Invitae), Labcorp
Classification: Uncertain significance. Last evaluated: 2025-10-09. Review status: criteria provided, single submitter. Criteria: Invitae Variant Classification Sherloc (09022015). Collection method: clinical testing. Allele origin: germline.
Comment: This sequence change replaces lysine, which is basic and polar, with glutamic acid, which is acidic and polar, at codon 551 of the GHR protein (p.Lys551Glu). The frequency data for this variant in the population databases is considered unreliable, as metrics indicate poor data quality at this position in the gnomAD database. This variant has not been reported in the literature in individuals affected with GHR-related conditions. Invitae Evidence Modeling of protein sequence and biophysical properties (such as structural, functional, and spatial information, amino acid conservation, physicochemical variation, residue mobility, and thermodynamic stability) indicates that this missense variant is not expected to disrupt GHR protein function with a negative predictive value of 95%. In summary, the available evidence is currently insufficient to determine the role of this variant in disease. Therefore, it has been classified as a Variant of Uncertain Significance.

NM_000163.5(GHR):c.1651A>G (p.Lys551Glu)

Gene: GHR (growth hormone receptor; plus strand). Cytogenetic location: 5p12.
Variant type: single nucleotide variant.
Coding change: c.1651A>G on transcript NM_000163.5 (MANE Select); coding-DNA position 1651, A replaced by G.
Protein change: p.Lys551Glu; replaces lysine 551 with glutamic acid.
Molecular consequence: missense variant. On other transcripts: 3 prime UTR variant (1).
Genome position (GRCh38, 1-based): chr5:42,719,158, A>G. VCF-style: chr5-42719158-A-G. GRCh37 (hg19) VCF-style: chr5-42719260-A-G.
Other names: c.1672A>G, p.Lys558Glu (NM_001242399.2); c.1651A>G, p.Lys551Glu (NM_001242400.2, NM_001242401.4, NM_001242402.2 and 4 more transcripts); c.1585A>G, p.Lys529Glu (NM_001242460.2); c.*693A>G (NM_001242462.1); short protein forms K551E, K529E, K558E.
Identifiers: ClinVar variation 4691530 (VCV004691530.1).